The following is an entry in ClinVar:

ClinVar aggregate classification (germline): Uncertain significance (1 of 4 stars; one submission).

Conditions:
Familial thoracic aortic aneurysm and aortic dissection (TAAD). Also called: Thoracic aortic aneurysms and dissections. Identifiers: Orphanet 91387, MedGen C4707243, MONDO:0019625.

Submission:

Ambry Genetics
Classification: Uncertain significance for Familial thoracic aortic aneurysm and aortic dissection. Last evaluated: 2024-07-06. Review status: criteria provided, single submitter. Criteria: Ambry Variant Classification Scheme 2023. Collection method: clinical testing. Allele origin: germline.
Comment: The p.G412W variant (also known as c.1234G>T), located in coding exon 12 of the PLOD1 gene, results from a G to T substitution at nucleotide position 1234. The glycine at codon 412 is replaced by tryptophan, an amino acid with highly dissimilar properties. This amino acid position is conserved. In addition, the in silico prediction for this alteration is inconclusive. Based on the available evidence, the clinical significance of this variant remains unclear.

NM_000302.4(PLOD1):c.1234G>T (p.Gly412Trp)

Gene: PLOD1 (procollagen-lysine,2-oxoglutarate 5-dioxygenase 1; plus strand). Cytogenetic location: 1p36.22.
Variant type: single nucleotide variant.
Coding change: c.1234G>T on transcript NM_000302.4 (MANE Select); coding-DNA position 1234, G replaced by T.
Protein change: p.Gly412Trp; replaces glycine 412 with tryptophan.
Molecular consequence: missense variant.
Genome position (GRCh38, 1-based): chr1:11,964,206, G>T. VCF-style: chr1-11964206-G-T. GRCh37 (hg19) VCF-style: chr1-12024263-G-T.
Other names: c.1375G>T, p.Gly459Trp (NM_001316320.2); short protein forms G459W, G412W.
Identifiers: ClinVar variation 3420924 (VCV003420924.1).
Genomic context (GRCh38, chr1:11,964,206, plus strand): 5'-CCTCCTACTGAGGTGCTCCCTTCCCTCAGGAACGTCATTGCCCCGCTGATGACCCGGCAT[G>T]GGAGGCTGTGGTCGAACTTCTGGGGGGCTCTCAGTGCAGATGGCTACTATGCCCGTTCCG-3'
Protein context (NP_000293.2, residues 402-422): NVIAPLMTRH[Gly412Trp]RLWSNFWGAL